The following is an entry in ClinVar:

NM_006005.3(WFS1):c.1846G>T (p.Ala616Ser)

Gene: WFS1 (wolframin ER transmembrane glycoprotein; plus strand). Cytogenetic location: 4p16.1.
Variant type: single nucleotide variant.
Coding change: c.1846G>T on transcript NM_006005.3 (MANE Select); coding-DNA position 1846, G replaced by T.
Protein change: p.Ala616Ser; replaces alanine 616 with serine.
Molecular consequence: missense variant.
Genome position (GRCh38, 1-based): chr4:6,301,641, G>T. VCF-style: chr4-6301641-G-T. GRCh37 (hg19) VCF-style: chr4-6303368-G-T.
Other names: c.1846G>T, p.Ala616Ser (NM_001145853.1); short protein forms A616S.
Identifiers: ClinVar variation 225514 (VCV000225514.11), dbSNP rs553336498, ClinGen allele CA2839519.

ClinVar aggregate classification (germline): Uncertain significance. Review status: criteria provided, multiple submitters, no conflicts (2 of 4 stars). 3 submissions from 3 submitters: Uncertain significance (3). Last evaluated 2025-12-08.

Conditions:
Autosomal dominant nonsyndromic hearing loss 6 (LFSNHL). Also called: DEAFNESS, AUTOSOMAL DOMINANT 6; DIDMOAD (Diabetes Insipidus, Diabetes Mellitus, Optic Atrophy, and Deafness); Autosomal dominant nonsyndromic deafness 6; DEAFNESS, AUTOSOMAL DOMINANT 14; DEAFNESS, AUTOSOMAL DOMINANT 38. Identifiers: Orphanet 90635, MedGen C1833021, MONDO:0010963, OMIM 600965.

Allele frequency attached by ClinVar (database versions not stated): ExAC 0.00001; gnomAD 0.00001; gnomAD exomes 0.00001 and 0.00002; 1000 Genomes Project 30x 0.00016; 1000 Genomes Project 0.00020.
gnomAD v4.1: 31 of 1,614,124 alleles (0.0019%); highest among the groups gnomAD compares: East Asian, 0.069%; no homozygotes.

Submissions (3):

Labcorp Genetics (formerly Invitae), Labcorp
Classification: Uncertain significance. Last evaluated: 2025-12-08. Review status: criteria provided, single submitter. Criteria: Invitae Variant Classification Sherloc (09022015). Collection method: clinical testing. Allele origin: germline.
Comment: This sequence change replaces alanine, which is neutral and non-polar, with serine, which is neutral and polar, at codon 616 of the WFS1 protein (p.Ala616Ser). This variant is present in population databases (rs553336498, gnomAD 0.01%). This missense change has been observed in individual(s) with clinical features WFS1-related conditions (PMID: 16408729, 37277527). ClinVar contains an entry for this variant (Variation ID: 225514). Invitae Evidence Modeling of protein sequence and biophysical properties (such as structural, functional, and spatial information, amino acid conservation, physicochemical variation, residue mobility, and thermodynamic stability) indicates that this missense variant is not expected to disrupt WFS1 protein function with a negative predictive value of 80%. In summary, the available evidence is currently insufficient to determine the role of this variant in disease. Therefore, it has been classified as a Variant of Uncertain Significance.

GeneDx
Classification: Uncertain significance. Last evaluated: 2024-09-27. Review status: criteria provided, single submitter. Criteria: GeneDx Variant Classification Process June 2021. Collection method: clinical testing. Allele origin: germline. Affected: yes.
Comment: Reported in an individual with moderate sensorineural hearing loss, however, has also been identified in 0.3% of Japanese controls (PMID: 29529044); In silico analysis indicates that this missense variant does not alter protein structure/function; This variant is associated with the following publications: (PMID: 37277527, 29529044, 36225977, 27018795, 16408729)

Soonchunhyang University Bucheon Hospital, Soonchunhyang University Medical Center
Classification: Uncertain significance for Autosomal dominant nonsyndromic hearing loss 6. Last evaluated: 2016-03-18. Review status: criteria provided, single submitter. Criteria: ACMG Guidelines, 2015. Collection method: reference population. Allele origin: germline. Observed: 1 variant allele.

Literature cited by the submitters: PubMed 16408729 (cited by Labcorp Genetics (formerly Invitae), Labcorp and Soonchunhyang University Bucheon Hospital, Soonchunhyang University Medical Center); PubMed 37277527 (cited by Labcorp Genetics (formerly Invitae), Labcorp).